The following is an entry in ClinVar:

NM_002449.5(MSX2):c.*1206T>C

Gene: MSX2 (msh homeobox 2; plus strand). Cytogenetic location: 5q35.2.
Variant type: single nucleotide variant.
Coding change: c.*1206T>C on transcript NM_002449.5 (MANE Select); 1206 bases downstream of the stop codon, T replaced by C.
Molecular consequence: 3 prime UTR variant.
Genome position (GRCh38, 1-based): chr5:174,730,789, T>C. VCF-style: chr5-174730789-T-C. GRCh37 (hg19) VCF-style: chr5-174157792-T-C.
Other names: c.*1634T>C (NM_001363626.2).
Identifiers: ClinVar variation 907629 (VCV000907629.4), dbSNP rs77229212, ClinGen allele CA132701570.

ClinVar aggregate classification (germline): Benign/Likely benign. Review status: criteria provided, single submitter (1 of 4 stars). 2 submissions from 1 submitter: Benign (1); Likely benign (1). Last evaluated 2018-01-12.

Conditions:
Parietal foramina 1 (PFM1). Also called: FORAMINA PARIETALIA PERMAGNA; PARIETAL FORAMINA, SYMMETRIC. Identifiers: Orphanet 60015, MedGen C1868599, MONDO:0008197, OMIM 168500.
Craniosynostosis 2 (CRS2). Also called: Warman-Mulliken-Hayward syndrome; Craniosynostosis Warman type; Craniosynostosis Boston type. Identifiers: Orphanet 1541, MedGen C1858160, MONDO:0011481, OMIM 604757.

Allele frequency attached by ClinVar (database versions not stated): gnomAD 0.00006 and 0.00015; TOPMed 0.00009; 1000 Genomes Project 30x 0.00141; 1000 Genomes Project 0.00160.

Submissions (2):

Illumina Laboratory Services, Illumina
Classification: Benign for Craniosynostosis 2. Last evaluated: 2018-01-12. Review status: criteria provided, single submitter. Criteria: ICSL Variant Classification Criteria 13 December 2019. Collection method: clinical testing. Allele origin: germline.
Comment: This variant was observed in the ICSL laboratory as part of a predisposition screen in an ostensibly healthy population. It had not been previously curated by ICSL or reported in the Human Gene Mutation Database (HGMD: prior to June 1st, 2018), and was therefore a candidate for classification through an automated scoring system. Utilizing variant allele frequency, disease prevalence and penetrance estimates, and inheritance mode, an automated score was calculated to assess if this variant is too frequent to cause the disease. Based on the score and internal cut-off values, a variant classified as benign is not then subjected to further curation. The score for this variant resulted in a classification of benign for this disease.

Illumina Laboratory Services, Illumina
Classification: Likely benign for Parietal foramina 1. Last evaluated: 2018-01-12. Review status: criteria provided, single submitter. Criteria: ICSL Variant Classification Criteria 13 December 2019. Collection method: clinical testing. Allele origin: germline.
Comment: This variant was observed in the ICSL laboratory as part of a predisposition screen in an ostensibly healthy population. It had not been previously curated by ICSL or reported in the Human Gene Mutation Database (HGMD: prior to June 1st, 2018), and was therefore a candidate for classification through an automated scoring system. Utilizing variant allele frequency, disease prevalence and penetrance estimates, and inheritance mode, an automated score was calculated to assess if this variant is too frequent to cause the disease. Based on the score and internal cut-off values, a variant classified as likely benign is not then subjected to further curation. The score for this variant resulted in a classification of likely benign for this disease.